The following is an entry in ClinVar:

NM_181882.3(PRX):c.28-4G>A

Genes: PRX (periaxin; minus strand), LOC130064454 (ATAC-STARR-seq lymphoblastoid active region 14650; plus strand). Cytogenetic location: 19q13.2.
Variant type: single nucleotide variant.
Coding change: c.28-4G>A on transcript NM_181882.3 (MANE Select); 4 bases into the intron before coding-DNA position 28, G replaced by A.
Molecular consequence: intron variant.
Genome position (GRCh38, 1-based): chr19:40,403,866, C>T on the plus strand (G>A on the coding strand, the complement: PRX is on the minus strand). VCF-style: chr19-40403866-C-T. GRCh37 (hg19) VCF-style: chr19-40909773-C-T.
Other names: c.28-4G>A (NM_181882.2, NM_020956.2); c.313-4G>A (NM_001411127.1).
Identifiers: ClinVar variation 2741786 (VCV002741786.4), dbSNP rs910995543, ClinGen allele CA308426136.
Genomic context (GRCh38, chr19:40,403,866, plus strand): 5'-CCCGGTCTGCGCCTCCGTCTCCACGATAATTTCCACCAACTCCGCCCGCCTCAGCTCCTG[C>T]AGAGGGCGGCGAGGTGTCGCGTTGGGGCTCTAGGGCCGGACCTCGCCCAGAGCCCGCCAT-3'

ClinVar aggregate classification (germline): Likely benign. Review status: criteria provided, multiple submitters, no conflicts (2 of 4 stars). 2 submissions from 2 submitters: Likely benign (2). Last evaluated 2026-08-05.

Conditions:
Charcot-Marie-Tooth disease type 4. Also called: Charcot-Marie-Tooth disease, type IV; Charcot-Marie-Tooth, Type 4. Identifiers: Orphanet 64749, MedGen C4082197, MONDO:0018995.
PRX-related disorder. Also called: PRX-related condition; PRX-Related Disorders.

Allele frequency attached by ClinVar (database versions not stated): TOPMed below 0.00001; gnomAD 0.00001; gnomAD exomes 0.00002.

Submissions (2):

PreventionGenetics, part of Exact Sciences
Classification: Likely benign for PRX-related condition. Last evaluated: 2026-08-05. Review status: criteria provided, single submitter. Criteria: ACMG Guidelines, 2015. Collection method: clinical testing. Allele origin: germline.
Comment: This variant is classified as likely benign based on ACMG/AMP sequence variant interpretation guidelines (Richards et al. 2015 PMID: 25741868, with internal and published modifications).

Labcorp Genetics (formerly Invitae), Labcorp
Classification: Likely benign for Charcot-Marie-Tooth disease type 4. Last evaluated: 2023-03-24. Review status: criteria provided, single submitter. Criteria: Invitae Variant Classification Sherloc (09022015). Collection method: clinical testing. Allele origin: germline.